The following is an entry in ClinVar:

NM_006267.5(RANBP2):c.2852C>T (p.Thr951Met)

Gene: RANBP2 (RAN binding protein 2; plus strand). Cytogenetic location: 2q13.
Variant type: single nucleotide variant.
Coding change: c.2852C>T on transcript NM_006267.5 (MANE Select); coding-DNA position 2852, C replaced by T.
Protein change: p.Thr951Met; replaces threonine 951 with methionine.
Molecular consequence: missense variant.
Genome position (GRCh38, 1-based): chr2:108,763,391, C>T. VCF-style: chr2-108763391-C-T. GRCh37 (hg19) VCF-style: chr2-109379847-C-T.
Other names: short protein forms T951M.
Identifiers: ClinVar variation 856409 (VCV000856409.12), dbSNP rs549497956, ClinGen allele CA1822828.

ClinVar aggregate classification (germline): Uncertain significance. Review status: criteria provided, multiple submitters, no conflicts (2 of 4 stars). 2 submissions from 2 submitters: Uncertain significance (2). Last evaluated 2021-07-30.

Conditions:
Familial acute necrotizing encephalopathy (IIAE3). Also called: ENCEPHALOPATHY, ACUTE, INFECTION-INDUCED, SUSCEPTIBILITY TO, 3; Susceptibility to Acute Necrotizing Encephalopathy 1. Identifiers: Orphanet 88619, MedGen C2675556, MONDO:0011953, OMIM 608033.

Allele frequency attached by ClinVar (database versions not stated): ExAC 0.00004; gnomAD exomes 0.00006; TOPMed 0.00008; gnomAD 0.00011; 1000 Genomes Project 30x 0.00016; 1000 Genomes Project 0.00020.
gnomAD v4.1: 140 of 1,613,950 alleles (0.0087%); highest among the groups gnomAD compares: African/African-American, 0.027%; no homozygotes.

Submissions (2):

Department of Pathology and Laboratory Medicine, Sinai Health System
Classification: Uncertain significance for Familial acute necrotizing encephalopathy. Last evaluated: 2021-07-30. Review status: criteria provided, single submitter. Criteria: ACMG Guidelines, 2015. Collection method: research. Allele origin: germline.

Labcorp Genetics (formerly Invitae), Labcorp
Classification: Uncertain significance for Familial acute necrotizing encephalopathy. Last evaluated: 2020-10-20. Review status: criteria provided, single submitter. Criteria: Invitae Variant Classification Sherloc (09022015). Collection method: clinical testing. Allele origin: germline.
Comment: In summary, the available evidence is currently insufficient to determine the role of this variant in disease. Therefore, it has been classified as a Variant of Uncertain Significance. Algorithms developed to predict the effect of missense changes on protein structure and function are either unavailable or do not agree on the potential impact of this missense change (SIFT: "Deleterious"; PolyPhen-2: "Benign"; Align-GVGD: "Class C65"). This variant has not been reported in the literature in individuals with RANBP2-related conditions. This variant is present in population databases (rs549497956, ExAC 0.009%). This sequence change replaces threonine with methionine at codon 951 of the RANBP2 protein (p.Thr951Met). The threonine residue is highly conserved and there is a moderate physicochemical difference between threonine and methionine.